The following is an entry in ClinVar:

NM_006017.3(PROM1):c.2551G>A (p.Val851Ile)

Gene: PROM1 (prominin 1; minus strand). Cytogenetic location: 4p15.32.
Variant type: single nucleotide variant.
Coding change: c.2551G>A on transcript NM_006017.3 (MANE Select); coding-DNA position 2551, G replaced by A.
Protein change: p.Val851Ile; replaces valine 851 with isoleucine.
Molecular consequence: missense variant. On other transcripts: intron variant (6).
Genome position (GRCh38, 1-based): chr4:15,979,426, C>T on the plus strand (G>A on the coding strand, the complement: PROM1 is on the minus strand). VCF-style: chr4-15979426-C-T. GRCh37 (hg19) VCF-style: chr4-15981049-C-T.
Other names: c.2524G>A, p.Val842Ile (NM_001145847.2, NM_001145848.2, NM_001371406.1); c.2462+996G>A (NM_001145852.2, NM_001371408.1, NM_001371407.1); c.2489+996G>A (NM_001145850.2); c.2486+455G>A (NM_001145851.2); c.2513+455G>A (NM_001145849.2); short protein forms V851I, V842I.
Identifiers: ClinVar variation 347972 (VCV000347972.13), dbSNP rs201910962, ClinGen allele CA2866323.

ClinVar aggregate classification (germline): Conflicting classifications of pathogenicity. Review status: criteria provided, conflicting classifications (1 of 4 stars). 7 submissions from 4 submitters: Uncertain significance (6); Likely benign (1). Last evaluated 2025-11-17.

Conditions:
Retinal dystrophy. Also called: Inherited retinal dystrophy. Identifiers: Orphanet 71862, MedGen C0854723, MeSH D058499, MONDO:0019118, HP:0000556.
Retinitis pigmentosa (RP). Identifiers: Orphanet 791, MedGen C0035334, MeSH D012174, MONDO:0019200, OMIM 268000. Inheritance: Autosomal dominant, autosomal recessive and X linked inheritance.
Cone-rod dystrophy 12 (CORD12). Identifiers: Orphanet 1872, MedGen C2675210, MONDO:0012983, OMIM 612657.
Retinal macular dystrophy type 2 (MCDR2). Also called: Bull's eye macular dystrophy. Identifiers: Orphanet 319640, MedGen C4749334, MONDO:0011957, OMIM 608051.
Stargardt disease 4 (STGD4). Identifiers: Orphanet 827, MedGen C1863534, MONDO:0011370, OMIM 603786.

Allele frequency attached by ClinVar (database versions not stated): gnomAD 0.00001 and 0.00003; TOPMed 0.00001; ExAC 0.00003; gnomAD exomes 0.00003 and 0.00006; 1000 Genomes Project 30x 0.00016; 1000 Genomes Project 0.00020.
gnomAD v4.1: 95 of 1,613,228 alleles (0.0059%); highest among the groups gnomAD compares: East Asian, 0.21%; no homozygotes.

Submissions (7):

Labcorp Genetics (formerly Invitae), Labcorp
Classification: Uncertain significance. Last evaluated: 2025-11-17. Review status: criteria provided, single submitter. Criteria: Invitae Variant Classification Sherloc (09022015). Collection method: clinical testing. Allele origin: germline.
Comment: This sequence change replaces valine, which is neutral and non-polar, with isoleucine, which is neutral and non-polar, at codon 851 of the PROM1 protein (p.Val851Ile). This variant is present in population databases (rs201910962, gnomAD 0.05%). This variant has not been reported in the literature in individuals affected with PROM1-related conditions. ClinVar contains an entry for this variant (Variation ID: 347972). An algorithm developed to predict the effect of missense changes on protein structure and function (PolyPhen-2) suggests that this variant is likely to be tolerated. In summary, the available evidence is currently insufficient to determine the role of this variant in disease. Therefore, it has been classified as a Variant of Uncertain Significance.

Dept Of Ophthalmology, Nagoya University
Classification: Likely benign for Retinal dystrophy. Last evaluated: 2023-10-01. Review status: criteria provided, single submitter. Criteria: Submitter's publication. Collection method: research. Allele origin: germline. Affected: yes.

Blueprint Genetics
Classification: Uncertain significance. Last evaluated: 2019-09-16. Review status: criteria provided, single submitter. Criteria: ACMG Guidelines, 2015. Collection method: clinical testing. Allele origin: germline.

Illumina Laboratory Services, Illumina
Classification: Uncertain significance for Stargardt disease 4. Last evaluated: 2018-01-12. Review status: criteria provided, single submitter. Criteria: ICSL Variant Classification Criteria 13 December 2019. Collection method: clinical testing. Allele origin: germline.

Illumina Laboratory Services, Illumina
Classification: Uncertain significance for Retinitis pigmentosa. Last evaluated: 2018-01-12. Review status: criteria provided, single submitter. Criteria: ICSL Variant Classification Criteria 13 December 2019. Collection method: clinical testing. Allele origin: germline.

Illumina Laboratory Services, Illumina
Classification: Uncertain significance for Cone-rod dystrophy 12. Last evaluated: 2018-01-12. Review status: criteria provided, single submitter. Criteria: ICSL Variant Classification Criteria 13 December 2019. Collection method: clinical testing. Allele origin: germline.

Illumina Laboratory Services, Illumina
Classification: Uncertain significance for Retinal macular dystrophy type 2. Last evaluated: 2018-01-12. Review status: criteria provided, single submitter. Criteria: ICSL Variant Classification Criteria 13 December 2019. Collection method: clinical testing. Allele origin: germline.